The following is an entry in ClinVar:

NM_001379500.1(COL18A1):c.651+1G>A

Gene: COL18A1 (collagen type XVIII alpha 1 chain; plus strand). Cytogenetic location: 21q22.3.
Variant type: single nucleotide variant.
Coding change: c.651+1G>A on transcript NM_001379500.1 (MANE Select); the canonical splice donor site of the intron after coding-DNA position 651, G replaced by A.
Molecular consequence: splice donor variant.
Genome position (GRCh38, 1-based): chr21:45,468,787, G>A. VCF-style: chr21-45468787-G-A. GRCh37 (hg19) VCF-style: chr21-46888701-G-A.
Other names: c.1896+1G>A (NM_130444.3); c.1191+1G>A (NM_030582.4).
Identifiers: ClinVar variation 2044413 (VCV002044413.4), dbSNP rs960350711, ClinGen allele CA321906562.

ClinVar aggregate classification (germline): Likely pathogenic (1 of 4 stars; one submission).

Allele frequency attached by ClinVar (database versions not stated): gnomAD exomes below 0.00001.
gnomAD v4.1: 1 of 1,554,986 alleles (0.000064%); highest among the groups gnomAD compares: Non-Finnish European, 0.000087%; no homozygotes.

Submission:

Labcorp Genetics (formerly Invitae), Labcorp
Classification: Likely pathogenic. Last evaluated: 2021-12-17. Review status: criteria provided, single submitter. Criteria: Invitae Variant Classification Sherloc (09022015). Collection method: clinical testing. Allele origin: germline.
Comment: Disruption of this splice site has been observed in individual(s) with Knobloch syndrome (Invitae). In summary, the currently available evidence indicates that the variant is pathogenic, but additional data are needed to prove that conclusively. Therefore, this variant has been classified as Likely Pathogenic. Algorithms developed to predict the effect of sequence changes on RNA splicing suggest that this variant may disrupt the consensus splice site. This variant is not present in population databases (gnomAD no frequency). This sequence change affects a donor splice site in intron 3 of the COL18A1 gene. It is expected to disrupt RNA splicing. Variants that disrupt the donor or acceptor splice site typically lead to a loss of protein function (PMID: 16199547), and loss-of-function variants in COL18A1 are known to be pathogenic (PMID: 12415512, 25456301).

Literature cited by the submitters: PubMed 16199547; PubMed 12415512; PubMed 25456301.